The following is an entry in ClinVar:

ClinVar aggregate classification (germline): Uncertain significance (1 of 4 stars; one submission).

Submission:

Ambry Genetics
Classification: Uncertain significance. Last evaluated: 2023-07-09. Review status: criteria provided, single submitter. Criteria: Ambry Variant Classification Scheme 2023. Collection method: clinical testing. Allele origin: germline.
Comment: The p.L1422V variant (also known as c.4264C>G), located in coding exon 16 of the POLQ gene, results from a C to G substitution at nucleotide position 4264. The leucine at codon 1422 is replaced by valine, an amino acid with highly similar properties. This amino acid position is conserved. In addition, this alteration is predicted to be tolerated by in silico analysis. Since supporting evidence is limited at this time, the clinical significance of this alteration remains unclear.

NM_199420.4(POLQ):c.4264C>G (p.Leu1422Val)

Gene: POLQ (DNA polymerase theta; minus strand). Cytogenetic location: 3q13.33.
Variant type: single nucleotide variant.
Coding change: c.4264C>G on transcript NM_199420.4 (MANE Select); coding-DNA position 4264, C replaced by G.
Protein change: p.Leu1422Val; replaces leucine 1422 with valine.
Molecular consequence: missense variant.
Genome position (GRCh38, 1-based): chr3:121,488,667, G>C on the plus strand (C>G on the coding strand, the complement: POLQ is on the minus strand). VCF-style: chr3-121488667-G-C. GRCh37 (hg19) VCF-style: chr3-121207514-G-C.
Other names: short protein forms L1422V.
Identifiers: ClinVar variation 1739192 (VCV001739192.3), dbSNP rs2546786081, ClinGen allele CA354095566.
Genomic context (GRCh38, chr3:121,488,667, plus strand): 5'-ATTGTGAATCAGTAACAGAAACTTCATTCTTTTTTAAAAAAAGACCATTTTCCTCCAATA[G>C]TATTGGAGAATGGAAAATCGGGCTTTCTGGAGTCAGGATATCAACCCCATGTGAATCACT-3'
Protein context (NP_955452.3, residues 1412-1432): PESPIFHSPI[Leu1422Val]LEENGLFLKK